The following is an entry in ClinVar:

NM_001165963.4(SCN1A):c.1800dup (p.Asn601Ter)

Gene: SCN1A (sodium voltage-gated channel alpha subunit 1; minus strand). Cytogenetic location: 2q24.3.
Variant type: Duplication.
Coding change: c.1800dup on transcript NM_001165963.4 (MANE Select); coding-DNA position 1800, one base duplicated (T; older notation c.1800dupT).
Protein change: p.Asn601Ter; replaces asparagine 601 with a stop codon.
Molecular consequence: nonsense. On other transcripts: 5 prime UTR variant (1), non-coding transcript variant (1).
Genome position (GRCh38, 1-based): chr2:166,043,912, A duplicated on the plus strand (T on the coding strand, the reverse complement: SCN1A is on the minus strand). VCF-style (leftmost placement, unchanged base first): chr2-166043911-T-TA. GRCh37 (hg19) VCF-style: chr2-166900421-T-TA.
Other names: c.1800dup, p.Asn601Ter (NM_001165964.3, NM_001202435.3, NM_001353948.2 and 7 more transcripts); c.1797dup, p.Asn600Ter (NM_001353954.2, NM_001353955.2, NM_001353960.2); c.-626dup (NM_001353961.2); short protein forms N600*, N601*.
Identifiers: ClinVar variation 2729088 (VCV002729088.3), dbSNP rs2468154288, ClinGen allele CA2697551229.

ClinVar aggregate classification (germline): Pathogenic (1 of 4 stars; one submission).

Conditions:
Early-infantile DEE. Also called: Early infantile epileptic encephalopathy; Early infantile epileptic encephalopathy with suppression bursts; Ohtahara syndrome. Identifiers: Orphanet 1934, MedGen C0393706, MONDO:0800491.

Submission:

Labcorp Genetics (formerly Invitae), Labcorp
Classification: Pathogenic for Early-infantile DEE. Last evaluated: 2023-11-02. Review status: criteria provided, single submitter. Criteria: Invitae Variant Classification Sherloc (09022015). Collection method: clinical testing. Allele origin: germline.
Comment: This sequence change creates a premature translational stop signal (p.Asn601*) in the SCN1A gene. It is expected to result in an absent or disrupted protein product. Loss-of-function variants in SCN1A are known to be pathogenic (PMID: 17347258, 18930999). This variant is not present in population databases (gnomAD no frequency). This variant has not been reported in the literature in individuals affected with SCN1A-related conditions. For these reasons, this variant has been classified as Pathogenic.

Literature cited by the submitters: PubMed 17347258; PubMed 18930999.